The following is an entry in ClinVar:

ClinVar aggregate classification (germline): Uncertain significance (1 of 4 stars; one submission).

gnomAD v4.1: 1 of 1,613,934 alleles (0.000062%); no homozygotes.

Submission:

Labcorp Genetics (formerly Invitae), Labcorp
Classification: Uncertain significance. Last evaluated: 2022-11-01. Review status: criteria provided, single submitter. Criteria: Invitae Variant Classification Sherloc (09022015). Collection method: clinical testing. Allele origin: germline.
Comment: This sequence change replaces leucine, which is neutral and non-polar, with valine, which is neutral and non-polar, at codon 11 of the PEPD protein (p.Leu11Val). This variant is not present in population databases (gnomAD no frequency). This variant has not been reported in the literature in individuals affected with PEPD-related conditions. Algorithms developed to predict the effect of missense changes on protein structure and function are either unavailable or do not agree on the potential impact of this missense change (SIFT: "Deleterious"; PolyPhen-2: "Benign"; Align-GVGD: "Class C0"). In summary, the available evidence is currently insufficient to determine the role of this variant in disease. Therefore, it has been classified as a Variant of Uncertain Significance.

NM_000285.4(PEPD):c.31C>G (p.Leu11Val)

Gene: PEPD (peptidase D; minus strand). Cytogenetic location: 19q13.11.
Variant type: single nucleotide variant.
Coding change: c.31C>G on transcript NM_000285.4 (MANE Select); coding-DNA position 31, C replaced by G.
Protein change: p.Leu11Val; replaces leucine 11 with valine.
Molecular consequence: missense variant.
Genome position (GRCh38, 1-based): chr19:33,512,763, G>C on the plus strand (C>G on the coding strand, the complement: PEPD is on the minus strand). VCF-style: chr19-33512763-G-C. GRCh37 (hg19) VCF-style: chr19-34003669-G-C.
Other names: c.31C>G, p.Leu11Val (NM_001166056.2, NM_001166057.2); short protein forms L11V.
Identifiers: ClinVar variation 1999982 (VCV001999982.1), dbSNP rs780319782, ClinGen allele CA405233949.